The following is an entry in ClinVar:

ClinVar aggregate classification (germline): Uncertain significance (1 of 4 stars; one submission).

Allele frequency attached by ClinVar (database versions not stated): gnomAD exomes below 0.00001; gnomAD 0.00001.
gnomAD v4.1: 2 of 1,613,882 alleles (0.00012%); highest among the groups gnomAD compares: African/African-American, 0.0013%; no homozygotes.

Submission:

Women's Health and Genetics/Laboratory Corporation of America, LabCorp
Classification: Uncertain significance. Last evaluated: 2021-01-27. Review status: criteria provided, single submitter. Criteria: LabCorp Variant Classification Summary - May 2015. Collection method: clinical testing. Allele origin: germline.
Comment: Variant summary: MED13L c.6013A>T (p.Ile2005Phe) results in a non-conservative amino acid change located in the Mediator complex subunit Med13, C-terminal domain (IPR009401) of the encoded protein sequence. Five of five in-silico tools predict a damaging effect of the variant on protein function. The variant was absent in 251106 control chromosomes (gnomAD). The available data on variant occurrences in the general population are insufficient to allow any conclusion about variant significance. To our knowledge, no occurrence of c.6013A>T in individuals affected with Intellectual Disability And Distinctive Facial Features With Or Without Cardiac Defects and no experimental evidence demonstrating its impact on protein function have been reported. No clinical diagnostic laboratories have submitted clinical-significance assessments for this variant to ClinVar after 2014. Based on the evidence outlined above, the variant was classified as uncertain significance.

NM_015335.5(MED13L):c.6013A>T (p.Ile2005Phe)

Gene: MED13L (mediator complex subunit 13L; minus strand). Cytogenetic location: 12q24.21.
Variant type: single nucleotide variant.
Coding change: c.6013A>T on transcript NM_015335.5 (MANE Select); coding-DNA position 6013, A replaced by T.
Protein change: p.Ile2005Phe; replaces isoleucine 2005 with phenylalanine.
Molecular consequence: missense variant.
Genome position (GRCh38, 1-based): chr12:115,970,648, T>A on the plus strand (A>T on the coding strand, the complement: MED13L is on the minus strand). VCF-style: chr12-115970648-T-A. GRCh37 (hg19) VCF-style: chr12-116408453-T-A.
Other names: short protein forms I2005F.
Identifiers: ClinVar variation 996302 (VCV000996302.1), dbSNP rs1876518341, ClinGen allele CA386876192.
Genomic context (GRCh38, chr12:115,970,648, plus strand): 5'-ACTCACCATTGTTGGGGCTAAACCCATCTTCATTGGGGTAGTTGGCTGGAGCCACCTGGA[T>A]GGTTGATGATGTTGGGAACACCAAGATGTGTGTACAAGAAGCATCTTGAGGGGTGTTGAG-3'
Protein context (NP_056150.1, residues 1995-2015): HILVFPTSST[Ile2005Phe]QVAPANYPNE